The following is an entry in ClinVar:

NM_001042492.3(NF1):c.1050G>A (p.Val350=)

Gene: NF1 (neurofibromin 1; plus strand). Cytogenetic location: 17q11.2.
Variant type: single nucleotide variant.
Coding change: c.1050G>A on transcript NM_001042492.3 (MANE Select); coding-DNA position 1050, G replaced by A.
Protein change: p.Val350=; no amino-acid change (valine 350 retained).
Molecular consequence: synonymous variant.
Genome position (GRCh38, 1-based): chr17:31,200,583, G>A. VCF-style: chr17-31200583-G-A. GRCh37 (hg19) VCF-style: chr17-29527601-G-A.
Other names: c.1050G>A, p.Val350= (NM_000267.4, NM_001128147.3).
Identifiers: ClinVar variation 1777065 (VCV001777065.5), dbSNP rs1597681164, ClinGen allele CA499218738.

ClinVar aggregate classification (germline): Uncertain significance. Review status: criteria provided, multiple submitters, no conflicts (2 of 4 stars). 2 submissions from 2 submitters: Uncertain significance (2). Last evaluated 2023-04-18.

Conditions:
Hereditary cancer-predisposing syndrome. Also called: Tumor predisposition; Neoplastic Syndromes, Hereditary; Hereditary Cancer Syndrome; Hereditary neoplastic syndrome. Identifiers: Orphanet 140162, MedGen C0027672, MeSH D009386, MONDO:0015356.
Cardiovascular phenotype. Identifiers: MedGen CN230736.
Neurofibromatosis, type 1 (NF1). Also called: VON RECKLINGHAUSEN DISEASE; NEUROFIBROMATOSIS, TYPE I, SOMATIC; Peripheral type neurofibromatosis; Neurofibromatosis, type I. Identifiers: Orphanet 636, MedGen C0027831, MONDO:0018975, OMIM 162200. Disease mechanism: loss of function.

Submissions (2):

Labcorp Genetics (formerly Invitae), Labcorp
Classification: Uncertain significance for Neurofibromatosis, type 1. Last evaluated: 2023-04-18. Review status: criteria provided, single submitter. Criteria: Invitae Variant Classification Sherloc (09022015). Collection method: clinical testing. Allele origin: germline.
Comment: In summary, the available evidence is currently insufficient to determine the role of this variant in disease. Therefore, it has been classified as a Variant of Uncertain Significance. Algorithms developed to predict the effect of sequence changes on RNA splicing suggest that this variant may disrupt the consensus splice site. ClinVar contains an entry for this variant (Variation ID: 1777065). This variant has not been reported in the literature in individuals affected with NF1-related conditions. This variant is not present in population databases (gnomAD no frequency). This sequence change affects codon 350 of the NF1 mRNA. It is a 'silent' change, meaning that it does not change the encoded amino acid sequence of the NF1 protein.

Ambry Genetics
Classification: Uncertain significance for Cardiovascular phenotype; Hereditary cancer-predisposing syndrome. Last evaluated: 2021-03-02. Review status: criteria provided, single submitter. Criteria: Ambry Variant Classification Scheme 2023. Collection method: clinical testing. Allele origin: germline.
Comment: The c.1050G>A variant (also known as p.V350V), located in coding exon 9 of the NF1 gene, results from a G to A substitution at nucleotide position 1050. This nucleotide substitution does not change the valine at codon 350. This nucleotide position is not well conserved in available vertebrate species. In silico splice site analysis for this alteration is inconclusive. Since supporting evidence is limited at this time, the clinical significance of this alteration remains unclear.